The following is an entry in ClinVar:

ClinVar aggregate classification (germline): Benign. Review status: criteria provided, multiple submitters, no conflicts (2 of 4 stars). 13 submissions from 12 submitters: Benign (10). 3 of the submissions do not count toward it. Last evaluated 2026-02-04.

Conditions:
Achromatopsia 3 (ACHM3). Also called: PINGELAPESE BLINDNESS; TOTAL COLORBLINDNESS WITH MYOPIA; ROD MONOCHROMACY 1; ROD MONOCHROMATISM 1; ACHROMATOPSIA WITH MYOPIA. Identifiers: Orphanet 49382, MedGen C1849792, MONDO:0009875, OMIM 262300.
Achromatopsia. Also called: Rod monochromatism. Identifiers: Orphanet 49382, MedGen C0152200, MONDO:0018852, HP:0011516.
Severe early-childhood-onset retinal dystrophy (STGD1). Also called: Stargardt macular dystrophy; Juvenile onset macular degeneration; Stargardt disease 1; MACULAR DYSTROPHY WITH FLECKS, TYPE 1; STGD. Identifiers: Orphanet 364055, Orphanet 827, MedGen C1855465, MeSH D000080362, MONDO:0009549, OMIM 248200.

Allele frequency attached by ClinVar (database versions not stated): ESP Exome Variant Server 0.87859; gnomAD exomes 0.89246 and 0.85218; ExAC 0.89461; TOPMed 0.89911; gnomAD 0.89272 and 0.88912; 1000 Genomes Project 30x 0.95597; 1000 Genomes Project 0.95747.
gnomAD v4.1: 1,382,691 of 1,613,820 alleles (86%); highest among the groups gnomAD compares: East Asian, 100%; 594,751 homozygotes.

Submissions (13):

Labcorp Genetics (formerly Invitae), Labcorp
Classification: Benign. Last evaluated: 2026-02-04. Review status: criteria provided, single submitter. Criteria: Invitae Variant Classification Sherloc (09022015). Collection method: clinical testing. Allele origin: germline.

Women's Health and Genetics/Laboratory Corporation of America, LabCorp
Classification: Benign. Last evaluated: 2025-04-25. Review status: criteria provided, single submitter. Criteria: LabCorp Variant Classification Summary - May 2015. Collection method: clinical testing. Allele origin: germline.

Blueprint Genetics
Classification: Benign. Last evaluated: 2024-11-27. Review status: criteria provided, single submitter. Criteria: ACMG Guidelines, 2015. Collection method: clinical testing. Allele origin: germline.

Genome-Nilou Lab
Classification: Benign for Achromatopsia 3. Last evaluated: 2021-07-10. Review status: criteria provided, single submitter. Criteria: ACMG Guidelines, 2015. Collection method: clinical testing. Allele origin: germline. Affected: no.

Mendelics
Classification: Benign for Achromatopsia 3. Last evaluated: 2019-05-28. Review status: criteria provided, single submitter. Criteria: Mendelics Assertion Criteria 2017. Collection method: clinical testing. Allele origin: unknown.

Illumina Laboratory Services, Illumina
Classification: Benign for Achromatopsia 3. Last evaluated: 2018-01-12. Review status: criteria provided, single submitter. Criteria: ICSL Variant Classification Criteria 13 December 2019. Collection method: clinical testing. Allele origin: germline.
Comment: This variant was observed in the ICSL laboratory as part of a predisposition screen in an ostensibly healthy population. It had not been previously curated by ICSL or reported in the Human Gene Mutation Database (HGMD: prior to June 1st, 2018), and was therefore a candidate for classification through an automated scoring system. Utilizing variant allele frequency, disease prevalence and penetrance estimates, and inheritance mode, an automated score was calculated to assess if this variant is too frequent to cause the disease. Based on the score and internal cut-off values, a variant classified as benign is not then subjected to further curation. The score for this variant resulted in a classification of benign for this disease.

Illumina Laboratory Services, Illumina
Classification: Benign for Severe early-childhood-onset retinal dystrophy. Last evaluated: 2018-01-12. Review status: criteria provided, single submitter. Criteria: ICSL Variant Classification Criteria 13 December 2019. Collection method: clinical testing. Allele origin: germline.
Comment: the same text as in the submission from Illumina Laboratory Services, Illumina above.

GeneDx
Classification: Benign. Last evaluated: 2015-03-03. Review status: criteria provided, single submitter. Criteria: GeneDx Variant Classification Process June 2021. Collection method: clinical testing. Allele origin: germline. Affected: yes.
Comment: This variant is associated with the following publications: (PMID: 26106334)

Breakthrough Genomics
Classification: Benign. Review status: criteria provided, single submitter. Criteria: ACMG Guidelines, 2015. Collection method: not provided. Allele origin: germline. Inheritance: Autosomal recessive inheritance. Affected: yes.

PreventionGenetics, part of Exact Sciences
Classification: Benign. Review status: criteria provided, single submitter. Criteria: ACMG Guidelines, 2015. Collection method: clinical testing. Allele origin: germline.

Natera, Inc.
Classification: Benign for Achromatopsia. Last evaluated: 2019-11-16. Review status: no assertion criteria provided. Collection method: clinical testing. Allele origin: germline. Not counted in ClinVar's aggregate classification.

Diagnostic Laboratory, Department of Genetics, University Medical Center Groningen
Classification: Benign. Review status: no assertion criteria provided. Collection method: clinical testing. Allele origin: germline. Affected: yes. Study: VKGL Data-share Consensus. Not counted in ClinVar's aggregate classification.

Joint Genome Diagnostic Labs from Nijmegen and Maastricht, Radboudumc and MUMC+
Classification: Benign. Review status: no assertion criteria provided. Collection method: clinical testing. Allele origin: germline. Affected: yes. Study: VKGL Data-share Consensus. Not counted in ClinVar's aggregate classification.

NM_019098.5(CNGB3):c.702T>G (p.Cys234Trp)

Gene: CNGB3 (cyclic nucleotide gated channel subunit beta 3; minus strand). Cytogenetic location: 8q21.3.
Variant type: single nucleotide variant.
Coding change: c.702T>G on transcript NM_019098.5 (MANE Select); coding-DNA position 702, T replaced by G.
Protein change: p.Cys234Trp; replaces cysteine 234 with tryptophan.
Molecular consequence: missense variant.
Genome position (GRCh38, 1-based): chr8:86,667,075, A>C on the plus strand (T>G on the coding strand, the complement: CNGB3 is on the minus strand). VCF-style: chr8-86667075-A-C. GRCh37 (hg19) VCF-style: chr8-87679303-A-C.
Other names: short protein forms C234W.
Identifiers: ClinVar variation 261090 (VCV000261090.30), dbSNP rs6471482, ClinGen allele CA4800300.